The following is an entry in ClinVar:

NM_000157.4(GBA1):c.1000G>A (p.Val334Ile)

Genes: GBA1 (glucosylceramidase beta 1; minus strand), LOC106627981 (GBA recombination region; plus strand). Cytogenetic location: 1q22.
Variant type: single nucleotide variant.
Coding change: c.1000G>A on transcript NM_000157.4 (MANE Select); coding-DNA position 1000, G replaced by A.
Protein change: p.Val334Ile; replaces valine 334 with isoleucine.
Molecular consequence: missense variant.
Genome position (GRCh38, 1-based): chr1:155,236,469, C>T on the plus strand (G>A on the coding strand, the complement: GBA1 is on the minus strand). VCF-style: chr1-155236469-C-T. GRCh37 (hg19) VCF-style: chr1-155206260-C-T.
Other names: c.1000G>A, p.Val334Ile (NM_001005741.3, NM_001005742.3); c.739G>A, p.Val247Ile (NM_001171811.2); c.853G>A, p.Val285Ile (NM_001171812.2); short protein forms V247I, V285I, V334I.
Identifiers: ClinVar variation 1302744 (VCV001302744.3), dbSNP rs764251205, ClinGen allele CA1141630.

ClinVar aggregate classification (germline): Uncertain significance (1 of 4 stars; one submission).

Allele frequency attached by ClinVar (database versions not stated): gnomAD 0.00001; gnomAD exomes 0.00001 and 0.00003; ExAC 0.00002; TOPMed 0.00002.
gnomAD v4.1: 38 of 1,612,440 alleles (0.0024%); highest among the groups gnomAD compares: East Asian, 0.011%; no homozygotes.

Submission:

GeneDx
Classification: Uncertain significance. Last evaluated: 2024-09-24. Review status: criteria provided, single submitter. Criteria: GeneDx Variant Classification Process June 2021. Collection method: clinical testing. Allele origin: germline. Affected: yes.
Comment: Reported previously (as V221I) in a cohort of individuals with early or late onset Parkinson disease; however, clinical details and segregation information were not reported (PMID: 24565865); In silico analysis indicates that this missense variant does not alter protein structure/function; This variant is associated with the following publications: (PMID: 24565865, 39020124)